The following is an entry in ClinVar:

ClinVar aggregate classification (germline): Likely benign (1 of 4 stars; one submission).

Allele frequency attached by ClinVar (database versions not stated): TOPMed 0.00001; gnomAD exomes 0.00005; ExAC 0.00013; 1000 Genomes Project 30x 0.00016; 1000 Genomes Project 0.00020.
gnomAD v4.1: 84 of 1,608,834 alleles (0.0052%); highest among the groups gnomAD compares: South Asian, 0.086%; no homozygotes.

Submission:

CeGaT Center for Human Genetics Tuebingen
Classification: Likely benign. Last evaluated: 2022-10-01. Review status: criteria provided, single submitter. Criteria: CeGaT Center For Human Genetics Tuebingen Variant Classification Criteria Version 2. Collection method: clinical testing. Allele origin: germline. Affected: yes. Observed: 2 variant alleles.
Comment: SETD1A: BP4, BP7

NM_014712.3(SETD1A):c.4299G>A (p.Ser1433=)

Gene: SETD1A (SET domain containing 1A, histone lysine methyltransferase; plus strand). Cytogenetic location: 16p11.2.
Variant type: single nucleotide variant.
Coding change: c.4299G>A on transcript NM_014712.3 (MANE Select); coding-DNA position 4299, G replaced by A.
Protein change: p.Ser1433=; no amino-acid change (serine 1433 retained).
Molecular consequence: synonymous variant.
Genome position (GRCh38, 1-based): chr16:30,980,085, G>A. VCF-style: chr16-30980085-G-A. GRCh37 (hg19) VCF-style: chr16-30991406-G-A.
Identifiers: ClinVar variation 2646457 (VCV002646457.24), dbSNP rs544726552, ClinGen allele CA8017514.
Genomic context (GRCh38, chr16:30,980,085, plus strand): 5'-CGCCTACGAGCCACGCAGTGAGTTTGAACAGATGACCATCCTGTATGACATTTGGAACTC[G>A]GGCCTGGACTCAGAGGACATGAGTTACCTGCGGCTTACGTACGAGCGGCTGCTGCAGCAG-3'
Protein context (NP_055527.1, residues 1423-1443): QMTILYDIWN[Ser1433=]GLDSEDMSYL